The following is an entry in ClinVar:

ClinVar aggregate classification (germline): Uncertain significance (1 of 4 stars; one submission).

Conditions:
Congenital myotonia, autosomal dominant form (THD). Also called: THOMSEN DISEASE; Myotonia congenita autosomal dominant. Identifiers: Orphanet 614, MedGen C2936781, MONDO:0008055, OMIM 160800.
Congenital myotonia, autosomal recessive form. Also called: BECKER DISEASE; Becker Generalized Myotonia; myotonia congenita, autosomal recessive. Identifiers: Orphanet 614, MedGen C0751360, MONDO:0009715, OMIM 255700.

Allele frequency attached by ClinVar (database versions not stated): gnomAD exomes below 0.00001.
gnomAD v4.1: 1 of 1,613,554 alleles (0.000062%); highest among the groups gnomAD compares: Non-Finnish European, 0.000085%; no homozygotes.

Submission:

Labcorp Genetics (formerly Invitae), Labcorp
Classification: Uncertain significance for Congenital myotonia, autosomal recessive form; Congenital myotonia, autosomal dominant form. Last evaluated: 2023-09-27. Review status: criteria provided, single submitter. Criteria: Invitae Variant Classification Sherloc (09022015). Collection method: clinical testing. Allele origin: germline.
Comment: This sequence change replaces threonine, which is neutral and polar, with isoleucine, which is neutral and non-polar, at codon 335 of the CLCN1 protein (p.Thr335Ile). This variant is not present in population databases (gnomAD no frequency). This variant has not been reported in the literature in individuals affected with CLCN1-related conditions. Advanced modeling of protein sequence and biophysical properties (such as structural, functional, and spatial information, amino acid conservation, physicochemical variation, residue mobility, and thermodynamic stability) performed at Invitae indicates that this missense variant is expected to disrupt CLCN1 protein function. In summary, the available evidence is currently insufficient to determine the role of this variant in disease. Therefore, it has been classified as a Variant of Uncertain Significance.

NM_000083.3(CLCN1):c.1004C>T (p.Thr335Ile)

Gene: CLCN1 (chloride voltage-gated channel 1; plus strand). Cytogenetic location: 7q34.
Variant type: single nucleotide variant.
Coding change: c.1004C>T on transcript NM_000083.3 (MANE Select); coding-DNA position 1004, C replaced by T.
Protein change: p.Thr335Ile; replaces threonine 335 with isoleucine.
Molecular consequence: missense variant. On other transcripts: non-coding transcript variant (1).
Genome position (GRCh38, 1-based): chr7:143,331,256, C>T. VCF-style: chr7-143331256-C-T. GRCh37 (hg19) VCF-style: chr7-143028349-C-T.
Other names: short protein forms T335I.
Identifiers: ClinVar variation 2938186 (VCV002938186.3), dbSNP rs2487059059, ClinGen allele CA369641816.
Genomic context (GRCh38, chr7:143,331,256, plus strand): 5'-AGCTCCCATCGTAATACTGGCCTTTCCATCCTACAGTCACCATCACTGCTCTGTTCAGAA[C>T]CAATTTCCGAATGGATTTCCCCTTTGACCTGAAGGAACTACCAGCTTTTGCTGCCATCGG-3'
Protein context (NP_000074.3, residues 325-345): DAVTITALFR[Thr335Ile]NFRMDFPFDL